The following is an entry in ClinVar:

ClinVar aggregate classification (germline): Likely pathogenic (1 of 4 stars; one submission).

Conditions:
Amyotrophic lateral sclerosis, susceptibility to, 24. Identifiers: MedGen C4693523, MONDO:0054750, OMIM 617892.
Short-rib thoracic dysplasia 6 with or without polydactyly (SRTD6). Also called: POLYDACTYLY WITH NEONATAL CHONDRODYSTROPHY, TYPE II; Majewski Syndrome; SHORT-RIB THORACIC DYSPLASIA 6 WITHOUT POLYDACTYLY; SHORT RIB-POLYDACTYLY SYNDROME, TYPE IIA; SHORT-RIB THORACIC DYSPLASIA 6 WITH POLYDACTYLY. Identifiers: MedGen C0024507, MONDO:0009894, OMIM 263520.

Submission:

Juno Genomics, Hangzhou Juno Genomics, Inc
Classification: Likely pathogenic for Amyotrophic lateral sclerosis, susceptibility to, 24; Short-rib thoracic dysplasia 6 with or without polydactyly. Review status: criteria provided, single submitter. Criteria: ACMG Guidelines, 2015. Collection method: clinical testing. Allele origin: germline. Affected: yes.
Comment: Absent from controls (or at extremely low frequency if recessive) in Genome Aggregation Database, Exome Sequencing Project, 1000 Genomes Project, or Exome Aggregation Consortium.;Null variant in a gene where loss of function (LOF) is a known mechanism of disease.

NM_001199397.3(NEK1):c.2640del (p.Val881fs)

Gene: NEK1 (NIMA related kinase 1; minus strand). Cytogenetic location: 4q33.
Variant type: Deletion.
Coding change: c.2640del on transcript NM_001199397.3 (MANE Select); coding-DNA position 2640, one base deleted (A; older notation c.2640delA).
Protein change: p.Val881fs; shifts the reading frame from valine 881.
Molecular consequence: frameshift variant. On other transcripts: non-coding transcript variant (1), intron variant (1).
Genome position (GRCh38, 1-based): chr4:169,438,207, T deleted on the plus strand (A on the coding strand, the reverse complement: NEK1 is on the minus strand); the first of 8 consecutive T bases (chr4:169,438,207-169,438,214); deleting any one gives the same sequence. VCF-style (leftmost placement, unchanged base first): chr4-169438206-CT-C. GRCh37 (hg19) VCF-style: chr4-170359357-CT-C.
Other names: c.2508del, p.Val837fs (NM_001199398.3); c.2349del, p.Val784fs (NM_001199399.3); c.2424del, p.Val809fs (NM_001199400.3); c.2640del, p.Val881fs (NM_001374418.1); c.2556del, p.Val853fs (NM_001374419.1, NM_012224.4); c.2505del, p.Val836fs (NM_001374420.1); c.2282-4542del (NM_001374421.1); short protein forms V784fs, V809fs, V836fs, V837fs, V853fs, V881fs.
Identifiers: ClinVar variation 3383149 (VCV003383149.2).